The following is an entry in ClinVar:

NM_003356.4(UCP3):c.705C>T (p.Ala235=)

Gene: UCP3 (uncoupling protein 3; minus strand). Cytogenetic location: 11q13.4.
Variant type: single nucleotide variant.
Coding change: c.705C>T on transcript NM_003356.4 (MANE Select); coding-DNA position 705, C replaced by T.
Protein change: p.Ala235=; no amino-acid change (alanine 235 retained).
Molecular consequence: synonymous variant.
Genome position (GRCh38, 1-based): chr11:74,003,946, G>A on the plus strand (C>T on the coding strand, the complement: UCP3 is on the minus strand). VCF-style: chr11-74003946-G-A. GRCh37 (hg19) VCF-style: chr11-73714991-G-A.
Other names: c.705C>T, p.Ala235= (NM_022803.3).
Identifiers: ClinVar variation 4980344 (VCV004980344.1).

ClinVar aggregate classification (germline): Likely benign (1 of 4 stars; one submission).

Conditions:
UCP3-related disorder. Also called: UCP3-related condition.

gnomAD v4.1: 7 of 1,614,022 alleles (0.00043%); highest among the groups gnomAD compares: African/African-American, 0.0067%; no homozygotes.

Submission:

PreventionGenetics, part of Exact Sciences
Classification: Likely benign for UCP3-related condition. Last evaluated: 2026-04-10. Review status: criteria provided, single submitter. Criteria: ACMG Guidelines, 2015. Collection method: clinical testing. Allele origin: germline.
Comment: This variant is classified as likely benign based on ACMG/AMP sequence variant interpretation guidelines (Richards et al. 2015 PMID: 25741868, with internal and published modifications).